The following is an entry in ClinVar:

NM_006922.4(SCN3A):c.5717T>G (p.Ile1906Ser)

Gene: SCN3A (sodium voltage-gated channel alpha subunit 3; minus strand). Cytogenetic location: 2q24.3.
Variant type: single nucleotide variant.
Coding change: c.5717T>G on transcript NM_006922.4 (MANE Select); coding-DNA position 5717, T replaced by G.
Protein change: p.Ile1906Ser; replaces isoleucine 1906 with serine.
Molecular consequence: missense variant.
Genome position (GRCh38, 1-based): chr2:165,090,436, A>C on the plus strand (T>G on the coding strand, the complement: SCN3A is on the minus strand). VCF-style: chr2-165090436-A-C. GRCh37 (hg19) VCF-style: chr2-165946946-A-C.
Other names: NP_008853.3:p.(Ile1906Ser); c.5570T>G, p.Ile1857Ser (NM_001081676.2, NM_001081677.2); short protein forms I1857S, I1906S.
Identifiers: ClinVar variation 4852514 (VCV004852514.1).
Genomic context (GRCh38, chr2:165,090,436, plus strand): 5'-TTACTTGATATATTTTTTAACCTTTGCTTTAAAAGATAACATCTGAAATTACGCTGAATG[A>C]TAGCGGCAGACACCTCCTCTTGTTTACGTTTCAAAGTGGTTGTAATAGGCTCATAAGAGA-3'
Protein context (NP_008853.3, residues 1896-1916): KRKQEEVSAA[Ile1906Ser]IQRNFRCYLL

ClinVar aggregate classification (germline): Uncertain significance (1 of 4 stars; one submission).

Conditions:
West syndrome. Also called: Infantile epileptic spasms syndrome. Identifiers: Orphanet 3451, Orphanet 697160, MedGen C0037769, MONDO:0018097. Disease mechanism: loss of function.

Submission:

Unidad de Genómica Garrahan, Hospital de Pediatría Garrahan
Classification: Uncertain significance for West syndrome. Last evaluated: 2024-01-01. Review status: criteria provided, single submitter. Criteria: ACMG Guidelines, 2015. Collection method: clinical testing. Allele origin: maternal. Affected: yes. Observed: 1 variant allele.
Comment: ACMG/AMP criteria applied: PM2_supporting, PP3_moderate.